The following is an entry in ClinVar:

NM_144991.3(TSPEAR):c.607C>T (p.Arg203Trp)

Gene: TSPEAR (thrombospondin type laminin G domain and EAR repeats; minus strand). Cytogenetic location: 21q22.3.
Variant type: single nucleotide variant.
Coding change: c.607C>T on transcript NM_144991.3 (MANE Select); coding-DNA position 607, C replaced by T.
Protein change: p.Arg203Trp; replaces arginine 203 with tryptophan.
Molecular consequence: missense variant.
Genome position (GRCh38, 1-based): chr21:44,531,069, G>A on the plus strand (C>T on the coding strand, the complement: TSPEAR is on the minus strand). VCF-style: chr21-44531069-G-A. GRCh37 (hg19) VCF-style: chr21-45950952-G-A.
Other names: c.403C>T, p.Arg135Trp (NM_001272037.2); short protein forms R135W, R203W.
Identifiers: ClinVar variation 1253817 (VCV001253817.3), dbSNP rs199858107, ClinGen allele CA10056934.

ClinVar aggregate classification (germline): Uncertain significance (1 of 4 stars; one submission).

Allele frequency attached by ClinVar (database versions not stated): gnomAD 0.00006 and 0.00010; ESP Exome Variant Server 0.00008; TOPMed 0.00008; 1000 Genomes Project 30x 0.00078; 1000 Genomes Project 0.00080.
gnomAD v4.1: 104 of 1,613,666 alleles (0.0064%); highest among the groups gnomAD compares: South Asian, 0.054%; no homozygotes.

Submission:

GeneDx
Classification: Uncertain significance. Last evaluated: 2024-07-19. Review status: criteria provided, single submitter. Criteria: GeneDx Variant Classification Process June 2021. Collection method: clinical testing. Allele origin: germline. Affected: yes.
Comment: Identified in the heterozygous state in a patient with sensorineural hearing loss in published literature; however, no second TSPEAR variant was identified (PMID: 30733538); In silico analysis supports that this missense variant has a deleterious effect on protein structure/function; This variant is associated with the following publications: (PMID: 30733538)